The following is an entry in ClinVar:

NM_004415.4(DSP):c.4582C>T (p.Leu1528=)

Gene: DSP (desmoplakin; plus strand). Cytogenetic location: 6p24.3.
Variant type: single nucleotide variant.
Coding change: c.4582C>T on transcript NM_004415.4 (MANE Select); coding-DNA position 4582, C replaced by T.
Protein change: p.Leu1528=; no amino-acid change (leucine 1528 retained).
Molecular consequence: synonymous variant. On other transcripts: intron variant (2).
Genome position (GRCh38, 1-based): chr6:7,580,772, C>T. VCF-style: chr6-7580772-C-T. GRCh37 (hg19) VCF-style: chr6-7581005-C-T.
Other names: c.4050+532C>T (NM_001319034.2); c.3582+1000C>T (NM_001008844.3).
Identifiers: ClinVar variation 1998561 (VCV001998561.7), dbSNP rs1433508345, ClinGen allele CA448714991.
Genomic context (GRCh38, chr6:7,580,772, plus strand): 5'-CAAAGGGTCCAGTATGACCTGCAGAAAGCAAACAGTAGTGCGACGGAGACAATAAACAAA[C>T]TGAAGGTTCAGGAGCAAGAACTGACACGCCTGAGGATCGACTATGAAAGGGTTTCCCAGG-3'
Protein context (NP_004406.2, residues 1518-1538): NSSATETINK[Leu1528=]KVQEQELTRL

ClinVar aggregate classification (germline): Likely benign. Review status: criteria provided, multiple submitters, no conflicts (2 of 4 stars). 4 submissions from 4 submitters: Likely benign (4). Last evaluated 2025-11-15.

Conditions:
Cardiovascular phenotype. Identifiers: MedGen CN230736.
Arrhythmogenic cardiomyopathy with wooly hair and keratoderma. Also called: Carvajal syndrome; Dilated cardiomyopathy with woolly hair and keratoderma; Arrhythmogenic cardiomyopathy with woolly hair and keratoderma; PALMOPLANTAR KERATODERMA WITH LEFT VENTRICULAR CARDIOMYOPATHY AND WOOLLY HAIR. Identifiers: Orphanet 65282, MedGen C1854063, MONDO:0011581, OMIM 605676.
Cardiomyopathy (CMYO). Also called: Cardiomyopathies. Identifiers: Orphanet 167848, MedGen C0878544, MONDO:0004994, HP:0001638. Inheritance: Various modes of inheritance.
Arrhythmogenic right ventricular dysplasia 8 (ARVD8). Also called: Arrhythmogenic Right Ventricular Dysplasia/Cardiomyopathy 8; ARRHYTHMOGENIC RIGHT VENTRICULAR DYSPLASIA, FAMILIAL, 8; ARRHYTHMOGENIC RIGHT VENTRICULAR CARDIOMYOPATHY 8. Identifiers: MedGen C1843896, MONDO:0011831, OMIM 607450.

Allele frequency attached by ClinVar (database versions not stated): gnomAD exomes below 0.00001; gnomAD 0.00001; TOPMed 0.00001.
gnomAD v4.1: 3 of 1,614,004 alleles (0.00019%); highest among the groups gnomAD compares: East Asian, 0.0022%; no homozygotes.

Submissions (4):

Ambry Genetics
Classification: Likely benign for Cardiovascular phenotype. Last evaluated: 2025-11-15. Review status: criteria provided, single submitter. Criteria: Ambry Variant Classification Scheme 2023. Collection method: clinical testing. Allele origin: germline.

All of Us Research Program, National Institutes of Health
Classification: Likely benign for Arrhythmogenic cardiomyopathy with wooly hair and keratoderma. Last evaluated: 2023-11-20. Review status: criteria provided, single submitter. Criteria: ACMG Guidelines, 2015. Collection method: clinical testing. Allele origin: germline. Inheritance: Autosomal dominant inheritance. Observed: 1 variant allele, 1 heterozygote.
Comment: This study involves interpretation of variants in research participants for the purpose of population health screening. Participant phenotype was not available at the time of variant classification. Additional details can be found in publication PMID: 35346344, PMCID: PMC8962531

Color Diagnostics, LLC DBA Color Health
Classification: Likely benign for Cardiomyopathy. Last evaluated: 2022-11-06. Review status: criteria provided, single submitter. Criteria: ACMG Guidelines, 2015. Collection method: clinical testing. Allele origin: germline.

Labcorp Genetics (formerly Invitae), Labcorp
Classification: Likely benign for Arrhythmogenic cardiomyopathy with wooly hair and keratoderma; Arrhythmogenic right ventricular dysplasia 8. Last evaluated: 2022-05-25. Review status: criteria provided, single submitter. Criteria: Invitae Variant Classification Sherloc (09022015). Collection method: clinical testing. Allele origin: germline.